The following is an entry in ClinVar:

ClinVar aggregate classification (germline): Uncertain significance (1 of 4 stars; one submission).

Conditions:
Inborn genetic diseases. Identifiers: MedGen C0950123, MeSH D030342.

Submission:

Ambry Genetics
Classification: Uncertain significance for Inborn genetic diseases. Last evaluated: 2025-02-28. Review status: criteria provided, single submitter. Criteria: Ambry Variant Classification Scheme 2023. Collection method: clinical testing. Allele origin: germline.
Comment: The p.S603C variant (also known as c.1808C>G), located in coding exon 11 of the FANCM gene, results from a C to G substitution at nucleotide position 1808. The serine at codon 603 is replaced by cysteine, an amino acid with dissimilar properties. This amino acid position is conserved. In addition, this alteration is predicted to be tolerated by in silico analysis. Based on the available evidence, the clinical significance of this variant remains unclear.

NM_020937.4(FANCM):c.1808C>G (p.Ser603Cys)

Gene: FANCM (FA complementation group M; plus strand). Cytogenetic location: 14q21.2.
Variant type: single nucleotide variant.
Coding change: c.1808C>G on transcript NM_020937.4 (MANE Select); coding-DNA position 1808, C replaced by G.
Protein change: p.Ser603Cys; replaces serine 603 with cysteine.
Molecular consequence: missense variant.
Genome position (GRCh38, 1-based): chr14:45,166,969, C>G. VCF-style: chr14-45166969-C-G. GRCh37 (hg19) VCF-style: chr14-45636172-C-G.
Other names: c.1730C>G, p.Ser577Cys (NM_001308133.2); c.1808C>G, p.Ser603Cys (NM_001308134.2); short protein forms S577C, S603C.
Identifiers: ClinVar variation 3848773 (VCV003848773.1).
Genomic context (GRCh38, chr14:45,166,969, plus strand): 5'-TAAAAGTAATATAATCTGACATTTTCTATTTGTTTTTACAGATTTATAATCAGAGTCAGT[C>G]CAACAAAAGAAGTATATATAAAGCTATTTCAAGTAACAGGCAGGTCCTTCATTTTTACCA-3'
Protein context (NP_065988.1, residues 593-613): REERIYNQSQ[Ser603Cys]NKRSIYKAIS